The following is an entry in ClinVar:

ClinVar aggregate classification (germline): Pathogenic (1 of 4 stars; one submission).

Conditions:
Pheochromocytoma/paraganglioma syndrome 3. Also called: GLOMUS TUMORS, FAMILIAL, 3; Paragangliomas 3; SDHC-Related Hereditary Paraganglioma-Pheochromocytoma Syndrome (Paragangliomas 3); SDHC-Related Hereditary Paraganglioma-Pheochromocytoma Syndrome. Identifiers: Orphanet 29072, MedGen C1854336, MONDO:0011544, OMIM 605373.
Gastrointestinal stromal tumor. Also called: Gastrointestinal stromal tumor, somatic; Gastrointestinal stroma tumor. Identifiers: Orphanet 44890, MedGen C0238198, MeSH D046152, MONDO:0011719, OMIM 606764, HP:0100723.

Submission:

Labcorp Genetics (formerly Invitae), Labcorp
Classification: Pathogenic for Pheochromocytoma/paraganglioma syndrome 3; Gastrointestinal stromal tumor. Last evaluated: 2019-12-18. Review status: criteria provided, single submitter. Criteria: Invitae Variant Classification Sherloc (09022015). Collection method: clinical testing. Allele origin: germline.
Comment: This sequence change creates a premature translational stop signal (p.Pro29Leufs*18) in the SDHC gene. It is expected to result in an absent or disrupted protein product. This variant is not present in population databases (ExAC no frequency). This variant has not been reported in the literature in individuals with SDHC-related conditions. Loss-of-function variants in SDHC are known to be pathogenic (PMID: 19454582, 24758179). For these reasons, this variant has been classified as Pathogenic.

Literature cited by the submitters: PubMed 19454582; PubMed 24758179.

NM_003001.5(SDHC):c.86del (p.Pro29fs)

Gene: SDHC (succinate dehydrogenase complex subunit C; plus strand). Cytogenetic location: 1q23.3.
Variant type: Deletion.
Coding change: c.86del on transcript NM_003001.5 (MANE Select); coding-DNA position 86, one base deleted (C; older notation c.86delC).
Protein change: p.Pro29fs; shifts the reading frame from proline 29.
Molecular consequence: frameshift variant. On other transcripts: 5 prime UTR variant (2), non-coding transcript variant (1), intron variant (4).
Genome position (GRCh38, 1-based): chr1:161,328,404, C deleted; the last of 2 consecutive C bases (chr1:161,328,403-161,328,404); deleting either gives the same sequence. VCF-style (leftmost placement, unchanged base first): chr1-161328402-TC-T. GRCh37 (hg19) VCF-style: chr1-161298192-TC-T.
Other names: c.86del, p.Pro29fs (NM_001035511.3, NM_001407115.1); c.29del, p.Pro10fs (NM_001407116.1, NM_001407117.1, NM_001407121.1); c.-26del (NM_001407119.1, NM_001407120.1); c.86delC, p.Pro29Leufs (NM_003001.3); c.77+4734del (NM_001035512.3, NM_001278172.3, NM_001407118.1); c.21-12190del (NM_001035513.3); short protein forms P29fs, P10fs.
Identifiers: ClinVar variation 858738 (VCV000858738.23), dbSNP rs1671145065, ClinGen allele CA916081290.